The following is an entry in ClinVar:

ClinVar aggregate classification (germline): Likely benign. Review status: criteria provided, single submitter (1 of 4 stars). 2 submissions from 2 submitters: Likely benign (1). 1 of the submissions does not count toward it. Last evaluated 2025-11-03.

Conditions:
Pitt-Hopkins-like syndrome 2 (PTHSL2). Identifiers: Orphanet 221150, Orphanet 600663, MedGen C3280479, MONDO:0013690, OMIM 614325.
NRXN1-related disorder.

Allele frequency attached by ClinVar (database versions not stated): ExAC 0.00002; TOPMed 0.00003; gnomAD 0.00004; 1000 Genomes Project 30x 0.00016.
gnomAD v4.1: 42 of 1,611,110 alleles (0.0026%); highest among the groups gnomAD compares: Non-Finnish European, 0.0033%; no homozygotes.

Submissions (2):

Labcorp Genetics (formerly Invitae), Labcorp
Classification: Likely benign for Pitt-Hopkins-like syndrome 2. Last evaluated: 2025-11-03. Review status: criteria provided, single submitter. Criteria: Invitae Variant Classification Sherloc (09022015). Collection method: clinical testing. Allele origin: germline.

PreventionGenetics, part of Exact Sciences
Classification: Likely benign for NRXN1-related condition. Last evaluated: 2019-07-10. Review status: no assertion criteria provided. Collection method: clinical testing. Allele origin: germline. Not counted in ClinVar's aggregate classification.
Comment: This variant is classified as likely benign based on ACMG/AMP sequence variant interpretation guidelines (Richards et al. 2015 PMID: 25741868, with internal and published modifications).

NM_001330078.2(NRXN1):c.378C>G (p.Thr126=)

Gene: NRXN1 (neurexin 1; minus strand). Cytogenetic location: 2p16.3.
Variant type: single nucleotide variant.
Coding change: c.378C>G on transcript NM_001330078.2 (MANE Select); coding-DNA position 378, C replaced by G.
Protein change: p.Thr126=; no amino-acid change (threonine 126 retained).
Molecular consequence: synonymous variant.
Genome position (GRCh38, 1-based): chr2:51,027,896, G>C on the plus strand (C>G on the coding strand, the complement: NRXN1 is on the minus strand). VCF-style: chr2-51027896-G-C. GRCh37 (hg19) VCF-style: chr2-51255034-G-C.
Other names: c.378C>G, p.Thr126= (NM_001135659.3, NM_001330077.2, NM_001330079.2 and 15 more transcripts); c.378C>G (NM_001135659.2).
Identifiers: ClinVar variation 1986613 (VCV001986613.6), dbSNP rs181121858, ClinGen allele CA1655499.